The following is an entry in ClinVar:

NC_000009.12:g.35657797C>T

Gene: RMRP (RNA component of mitochondrial RNA processing endoribonuclease; minus strand). Cytogenetic location: 9p13.3.
Variant type: single nucleotide variant.
Genome position: GRCh38 VCF-style: chr9-35657797-C-T. GRCh37 (hg19) VCF-style: chr9-35657794-C-T.
Identifiers: ClinVar variation 2160769 (VCV002160769.1), dbSNP rs924622406, ClinGen allele CA464450453.

ClinVar aggregate classification (germline): Uncertain significance (1 of 4 stars; one submission).

Conditions:
Anauxetic dysplasia. Identifiers: Orphanet 93347, MedGen C1846796, MONDO:0011773.

gnomAD v4.1: 7 of 699,852 alleles (0.001%); highest among the groups gnomAD compares: East Asian, 0.0027%; no homozygotes.

Submission:

Labcorp Genetics (formerly Invitae), Labcorp
Classification: Uncertain significance for Anauxetic dysplasia. Last evaluated: 2022-02-17. Review status: criteria provided, single submitter. Criteria: Invitae Variant Classification Sherloc (09022015). Collection method: clinical testing. Allele origin: germline.
Comment: This variant occurs in the RMRP gene, which encodes an RNA molecule that does not result in a protein product. This variant is present in population databases (no rsID available, gnomAD 0.004%). This variant has not been reported in the literature in individuals affected with RMRP-related conditions. Algorithms developed to predict the effect of sequence changes on RNA splicing suggest that this variant may create or strengthen a splice site. In summary, the available evidence is currently insufficient to determine the role of this variant in disease. Therefore, it has been classified as a Variant of Uncertain Significance.